The following is an entry in ClinVar:

ClinVar aggregate classification (germline): Likely benign (1 of 4 stars; one submission).

Conditions:
KIDINS220-related disorder. Also called: KIDINS220-related condition.

Submission:

PreventionGenetics, part of Exact Sciences
Classification: Likely benign for KIDINS220-related condition. Last evaluated: 2026-08-12. Review status: criteria provided, single submitter. Criteria: ACMG Guidelines, 2015. Collection method: clinical testing. Allele origin: germline.
Comment: This variant is classified as likely benign based on ACMG/AMP sequence variant interpretation guidelines (Richards et al. 2015 PMID: 25741868, with internal and published modifications).

NM_020738.4(KIDINS220):c.2736C>T (p.Thr912=)

Gene: KIDINS220 (kinase D interacting substrate 220; minus strand). Cytogenetic location: 2p25.1.
Variant type: single nucleotide variant.
Coding change: c.2736C>T on transcript NM_020738.4 (MANE Select); coding-DNA position 2736, C replaced by T.
Protein change: p.Thr912=; no amino-acid change (threonine 912 retained).
Molecular consequence: synonymous variant. On other transcripts: non-coding transcript variant (2).
Genome position (GRCh38, 1-based): chr2:8,776,860, G>A on the plus strand (C>T on the coding strand, the complement: KIDINS220 is on the minus strand). VCF-style: chr2-8776860-G-A. GRCh37 (hg19) VCF-style: chr2-8916990-G-A.
Other names: c.2739C>T, p.Thr913= (NM_001348729.2, NM_001348731.2, NM_001348734.2 and 3 more transcripts); c.2736C>T, p.Thr912= (NM_001348732.2, NM_001348735.2, NM_001348738.2 and 3 more transcripts); c.2610C>T, p.Thr870= (NM_001348736.2).
Identifiers: ClinVar variation 5001288 (VCV005001288.1).